The following is an entry in ClinVar:

ClinVar aggregate classification (germline): Uncertain significance (1 of 4 stars; one submission).

Conditions:
Duchenne muscular dystrophy (DMD). Also called: MUSCULAR DYSTROPHY, PSEUDOHYPERTROPHIC PROGRESSIVE, DUCHENNE TYPE; Duchenne Muscular Dystrophy (DMD). Identifiers: Orphanet 98896, MedGen C0013264, MONDO:0010679, OMIM 310200.

Submission:

Labcorp Genetics (formerly Invitae), Labcorp
Classification: Uncertain significance for Duchenne muscular dystrophy. Last evaluated: 2021-10-19. Review status: criteria provided, single submitter. Criteria: Invitae Variant Classification Sherloc (09022015). Collection method: clinical testing. Allele origin: germline.
Comment: This missense change has been observed in individual(s) with DMD-related conditions (PMID: 27122458). Algorithms developed to predict the effect of missense changes on protein structure and function (SIFT, PolyPhen-2, Align-GVGD) all suggest that this variant is likely to be disruptive. In summary, the available evidence is currently insufficient to determine the role of this variant in disease. Therefore, it has been classified as a Variant of Uncertain Significance. This sequence change replaces glycine with arginine at codon 47 of the DMD protein (p.Gly47Arg). The glycine residue is highly conserved and there is a moderate physicochemical difference between glycine and arginine. This variant is not present in population databases (ExAC no frequency).

Literature cited by the submitters: PubMed 27122458.

NM_004006.3(DMD):c.139G>A (p.Gly47Arg)

Gene: DMD (dystrophin; minus strand). Cytogenetic location: Xp21.1.
Variant type: single nucleotide variant.
Coding change: c.139G>A on transcript NM_004006.3 (MANE Select); coding-DNA position 139, G replaced by A.
Protein change: p.Gly47Arg; replaces glycine 47 with arginine.
Molecular consequence: missense variant. On other transcripts: 5 prime UTR variant (1).
Genome position (GRCh38, 1-based): chrX:32,849,775, C>T on the plus strand (G>A on the coding strand, the complement: DMD is on the minus strand). VCF-style: chrX-32849775-C-T. GRCh37 (hg19) VCF-style: chrX-32867892-C-T.
Other names: c.115G>A, p.Gly39Arg (NM_000109.4); c.127G>A, p.Gly43Arg (NM_004009.3); c.-231G>A (NM_004010.3); short protein forms G39R, G43R, G47R.
Identifiers: ClinVar variation 1009830 (VCV001009830.7), dbSNP rs1557084183, ClinGen allele CA412674905.